The following is an entry in ClinVar:

ClinVar aggregate classification (germline): Uncertain significance. Review status: criteria provided, multiple submitters, no conflicts (2 of 4 stars). 2 submissions from 2 submitters: Uncertain significance (2). Last evaluated 2022-08-09.

Conditions:
Inborn genetic diseases. Identifiers: MedGen C0950123, MeSH D030342.

Allele frequency attached by ClinVar (database versions not stated): gnomAD exomes below 0.00001 and 0.00001; ExAC 0.00001; gnomAD 0.00001; TOPMed 0.00005; 1000 Genomes Project 30x 0.00016; 1000 Genomes Project 0.00020.

Submissions (2):

Labcorp Genetics (formerly Invitae), Labcorp
Classification: Uncertain significance. Last evaluated: 2022-08-09. Review status: criteria provided, single submitter. Criteria: Invitae Variant Classification Sherloc (09022015). Collection method: clinical testing. Allele origin: germline.
Comment: This sequence change replaces lysine, which is basic and polar, with threonine, which is neutral and polar, at codon 22 of the HIKESHI protein (p.Lys22Thr). This variant is present in population databases (rs201239774, gnomAD 0.002%). This variant has not been reported in the literature in individuals affected with HIKESHI-related conditions. ClinVar contains an entry for this variant (Variation ID: 1422008). Algorithms developed to predict the effect of missense changes on protein structure and function are either unavailable or do not agree on the potential impact of this missense change (SIFT: "Deleterious"; PolyPhen-2: "Possibly Damaging"; Align-GVGD: "Class C0"). In summary, the available evidence is currently insufficient to determine the role of this variant in disease. Therefore, it has been classified as a Variant of Uncertain Significance.

Ambry Genetics
Classification: Uncertain significance for Inborn genetic diseases. Last evaluated: 2021-06-22. Review status: criteria provided, single submitter. Criteria: Ambry Variant Classification Scheme 2023. Collection method: clinical testing. Allele origin: germline.

NM_016401.4(HIKESHI):c.65A>C (p.Lys22Thr)

Gene: HIKESHI (heat shock protein nuclear import factor hikeshi; plus strand). Cytogenetic location: 11q14.2.
Variant type: single nucleotide variant.
Coding change: c.65A>C on transcript NM_016401.4 (MANE Select); coding-DNA position 65, A replaced by C.
Protein change: p.Lys22Thr; replaces lysine 22 with threonine.
Molecular consequence: missense variant. On other transcripts: 5 prime UTR variant (2), non-coding transcript variant (1).
Genome position (GRCh38, 1-based): chr11:86,306,279, A>C. VCF-style: chr11-86306279-A-C. GRCh37 (hg19) VCF-style: chr11-86017321-A-C.
Other names: c.65A>C, p.Lys22Thr (NM_001322404.2); c.-53A>C (NM_001322407.2, NM_001322409.2); c.65A>C (NM_016401.3); short protein forms K22T.
Identifiers: ClinVar variation 1422008 (VCV001422008.4), dbSNP rs201239774, ClinGen allele CA6216665.